The following is an entry in ClinVar:

ClinVar aggregate classification (germline): Uncertain significance (1 of 4 stars; one submission).

gnomAD v4.1: 1 of 1,499,050 alleles (0.000067%); highest among the groups gnomAD compares: South Asian, 0.0012%; no homozygotes.

Submission:

GeneDx
Classification: Uncertain significance. Last evaluated: 2023-12-09. Review status: criteria provided, single submitter. Criteria: GeneDx Variant Classification Process June 2021. Collection method: clinical testing. Allele origin: germline. Affected: yes.
Comment: Has not been previously published as pathogenic or benign to our knowledge; Not observed at significant frequency in large population cohorts (gnomAD); In silico analysis supports that this missense variant does not alter protein structure/function; In silico analysis is inconclusive as to whether the variant alters gene splicing. In the absence of RNA/functional studies, the actual effect of this sequence change is unknown.

NM_001374828.1(ARID1B):c.743G>A (p.Ser248Asn)

Genes: ARID1B (AT-rich interaction domain 1B; plus strand), LOC115308161 (uncharacterized LOC115308161; minus strand), LOC129997525 (ATAC-STARR-seq lymphoblastoid silent region 17712; plus strand). Cytogenetic location: 6q25.3.
Variant type: single nucleotide variant.
Coding change: c.743G>A on transcript NM_001374828.1 (MANE Select); coding-DNA position 743, G replaced by A.
Protein change: p.Ser248Asn; replaces serine 248 with asparagine.
Molecular consequence: missense variant. On other transcripts: non-coding transcript variant (1).
Genome position (GRCh38, 1-based): chr6:156,778,423, G>A. VCF-style: chr6-156778423-G-A. GRCh37 (hg19) VCF-style: chr6-157099557-G-A.
Other names: c.743G>A, p.Ser248Asn (NM_001371656.1, NM_001374820.1, NM_017519.3); c.494G>A (NM_020732.3); short protein forms S248N.
Identifiers: ClinVar variation 3365306 (VCV003365306.1).